The following is an entry in ClinVar:

ClinVar aggregate classification (germline): Uncertain significance (1 of 4 stars; one submission).

Allele frequency attached by ClinVar (database versions not stated): TOPMed below 0.00001.
gnomAD v4.1: 24 of 1,614,076 alleles (0.0015%); highest among the groups gnomAD compares: Admixed American, 0.0033%; no homozygotes.

Submission:

Labcorp Genetics (formerly Invitae), Labcorp
Classification: Uncertain significance. Last evaluated: 2025-11-08. Review status: criteria provided, single submitter. Criteria: Invitae Variant Classification Sherloc (09022015). Collection method: clinical testing. Allele origin: germline.
Comment: This sequence change replaces tyrosine, which is neutral and polar, with cysteine, which is neutral and slightly polar, at codon 556 of the RFWD3 protein (p.Tyr556Cys). This variant is present in population databases (no rsID available, gnomAD 0.0009%). This variant has not been reported in the literature in individuals affected with RFWD3-related conditions. ClinVar contains an entry for this variant (Variation ID: 2186332). An algorithm developed to predict the effect of missense changes on protein structure and function (PolyPhen-2) suggests that this variant is likely to be disruptive. In summary, the available evidence is currently insufficient to determine the role of this variant in disease. Therefore, it has been classified as a Variant of Uncertain Significance.

NM_018124.4(RFWD3):c.1667A>G (p.Tyr556Cys)

Gene: RFWD3 (ring finger and WD repeat domain 3; minus strand). Cytogenetic location: 16q23.1.
Variant type: single nucleotide variant.
Coding change: c.1667A>G on transcript NM_018124.4 (MANE Select); coding-DNA position 1667, A replaced by G.
Protein change: p.Tyr556Cys; replaces tyrosine 556 with cysteine.
Molecular consequence: missense variant. On other transcripts: intron variant (1).
Genome position (GRCh38, 1-based): chr16:74,630,868, T>C on the plus strand (A>G on the coding strand, the complement: RFWD3 is on the minus strand). VCF-style: chr16-74630868-T-C. GRCh37 (hg19) VCF-style: chr16-74664766-T-C.
Other names: c.1667A>G, p.Tyr556Cys (NM_001370534.1, NM_001370535.1); c.833A>G, p.Tyr278Cys (NM_001370537.1, NM_001370539.1, NM_001370540.1 and 3 more transcripts); c.1577+1655A>G (NM_001370536.1); short protein forms Y556C, Y278C.
Identifiers: ClinVar variation 2186332 (VCV002186332.4), dbSNP rs755594453, ClinGen allele CA283742305.